The following is an entry in ClinVar:

NM_000414.4(HSD17B4):c.713A>T (p.Glu238Val)

Gene: HSD17B4 (hydroxysteroid 17-beta dehydrogenase 4; plus strand). Cytogenetic location: 5q23.1.
Variant type: single nucleotide variant.
Coding change: c.713A>T on transcript NM_000414.4 (MANE Select); coding-DNA position 713, A replaced by T.
Protein change: p.Glu238Val; replaces glutamic acid 238 with valine.
Molecular consequence: missense variant. On other transcripts: non-coding transcript variant (2).
Genome position (GRCh38, 1-based): chr5:119,489,282, A>T. VCF-style: chr5-119489282-A-T. GRCh37 (hg19) VCF-style: chr5-118824977-A-T.
Other names: c.788A>T, p.Glu263Val (NM_001199291.3); c.659A>T, p.Glu220Val (NM_001199292.2); c.641A>T, p.Glu214Val (NM_001292027.2); c.293A>T, p.Glu98Val (NM_001292028.2); c.704A>T, p.Glu235Val (NM_001374497.1); c.713A>T, p.Glu238Val (NM_001374498.1); c.386A>T, p.Glu129Val (NM_001374499.1); c.272A>T, p.Glu91Val (NM_001374500.1); and 1 more; short protein forms E101V, E129V, E214V, E220V, E235V, E238V, E263V, E91V.
Identifiers: ClinVar variation 3906378 (VCV003906378.1).

ClinVar aggregate classification (germline): Uncertain significance (1 of 4 stars; one submission).

Submission:

GeneDx
Classification: Uncertain significance. Last evaluated: 2024-12-19. Review status: criteria provided, single submitter. Criteria: GeneDx Variant Classification Process June 2021. Collection method: clinical testing. Allele origin: germline. Affected: yes.
Comment: Not observed at significant frequency in large population cohorts (gnomAD); In silico analysis supports that this missense variant has a deleterious effect on protein structure/function; Has not been previously published as pathogenic or benign to our knowledge; In silico analysis is inconclusive as to whether the variant alters gene splicing. In the absence of RNA/functional studies, the actual effect of this sequence change is unknown